The following is an entry in ClinVar:

NM_001048174.2(MUTYH):c.458C>A (p.Ser153Tyr)

Gene: MUTYH (mutY DNA glycosylase; minus strand). Cytogenetic location: 1p34.1.
Variant type: single nucleotide variant.
Coding change: c.458C>A on transcript NM_001048174.2 (MANE Select); coding-DNA position 458, C replaced by A.
Protein change: p.Ser153Tyr; replaces serine 153 with tyrosine.
Molecular consequence: missense variant. On other transcripts: non-coding transcript variant (7).
Genome position (GRCh38, 1-based): chr1:45,332,797, G>T on the plus strand (C>A on the coding strand, the complement: MUTYH is on the minus strand). VCF-style: chr1-45332797-G-T. GRCh37 (hg19) VCF-style: chr1-45798469-G-T.
Other names: c.491C>A, p.Ser164Tyr (NM_001407069.1, NM_001407077.1, NM_001293191.2); c.458C>A, p.Ser153Tyr (NM_001407070.1, NM_001407072.1, NM_001407073.1 and 6 more transcripts); c.461C>A, p.Ser154Tyr (NM_001407071.1, NM_001407078.1, NM_001048172.2 and 1 more transcripts); c.374C>A, p.Ser125Tyr (NM_001407075.1); c.533C>A, p.Ser178Tyr (NM_012222.3); c.419C>A, p.Ser140Tyr (NM_001407079.1); c.542C>A, p.Ser181Tyr (NM_001128425.2); c.503C>A, p.Ser168Tyr (NM_001293190.2); and 5 more; short protein forms S154Y, S160Y, S164Y, S38Y, S153Y, S181Y, S125Y, S139Y.
Identifiers: ClinVar variation 4113720 (VCV004113720.1).
Genomic context (GRCh38, chr1:45,332,797, plus strand): 5'-TTCCTACCCTCCTGCCATCCCCTTACCTTCCGAGCTCCCTCCTGCAGCCGCCGGCCACGA[G>T]AATAGTAGCCCAGGCCAGCCCAGAGTTGATTCACCTCCTGTGGGTAGGATCAGAGGTCAA-3'
Protein context (NP_001041639.1, residues 143-163): NQLWAGLGYY[Ser153Tyr]RGRRLQEGAR

ClinVar aggregate classification (germline): Uncertain significance (1 of 4 stars; one submission).

Conditions:
Hereditary cancer-predisposing syndrome. Also called: Hereditary neoplastic syndrome; Neoplastic Syndromes, Hereditary; Tumor predisposition; Hereditary Cancer Syndrome. Identifiers: Orphanet 140162, MedGen C0027672, MeSH D009386, MONDO:0015356.

Submission:

Ambry Genetics
Classification: Uncertain significance for Hereditary cancer-predisposing syndrome. Last evaluated: 2025-08-27. Review status: criteria provided, single submitter. Criteria: Ambry Variant Classification Scheme 2023. Collection method: clinical testing. Allele origin: germline.
Comment: The p.S181Y variant (also known as c.542C>A), located in coding exon 7 of the MUTYH gene, results from a C to A substitution at nucleotide position 542. The serine at codon 181 is replaced by tyrosine, an amino acid with dissimilar properties. This amino acid position is conserved. In addition, this alteration is predicted to be tolerated by in silico analysis. Based on the available evidence, the clinical significance of this variant remains unclear.